The following is an entry in ClinVar:

NM_152296.5(ATP1A3):c.56G>A (p.Arg19His)

Gene: ATP1A3 (ATPase Na+/K+ transporting subunit alpha 3; minus strand). Cytogenetic location: 19q13.2.
Variant type: single nucleotide variant.
Coding change: c.56G>A on transcript NM_152296.5 (MANE Select); coding-DNA position 56, G replaced by A.
Protein change: p.Arg19His; replaces arginine 19 with histidine.
Molecular consequence: missense variant.
Genome position (GRCh38, 1-based): chr19:41,988,513, C>T on the plus strand (G>A on the coding strand, the complement: ATP1A3 is on the minus strand). VCF-style: chr19-41988513-C-T. GRCh37 (hg19) VCF-style: chr19-42492665-C-T.
Other names: c.89G>A, p.Arg30His (NM_001256213.2); c.95G>A, p.Arg32His (NM_001256214.2); short protein forms R19H, R30H, R32H.
Identifiers: ClinVar variation 975651 (VCV000975651.25), dbSNP rs782596240, ClinGen allele CA9467976.

ClinVar aggregate classification (germline): Uncertain significance. Review status: criteria provided, single submitter (1 of 4 stars). 2 submissions from 2 submitters: Uncertain significance (1). 1 of the submissions does not count toward it. Last evaluated 2023-02-01.

Conditions:
Intellectual disability. Also called: Intellectual developmental disorder; intellectual disabilities; Intellectual functioning disability. Identifiers: MedGen C3714756, MeSH D008607, MONDO:0001071, HP:0001249.

Allele frequency attached by ClinVar (database versions not stated): gnomAD exomes below 0.00001 and 0.00002; ExAC 0.00002.
gnomAD v4.1: 5 of 1,614,190 alleles (0.00031%); highest among the groups gnomAD compares: South Asian, 0.0011%; no homozygotes.

Submissions (2):

CeGaT Center for Human Genetics Tuebingen
Classification: Uncertain significance. Last evaluated: 2023-02-01. Review status: criteria provided, single submitter. Criteria: CeGaT Center For Human Genetics Tuebingen Variant Classification Criteria Version 2. Collection method: clinical testing. Allele origin: germline. Affected: yes. Observed: 1 variant allele.
Comment: ATP1A3: PP2

Centre de Biologie Pathologie Génétique, Centre Hospitalier Universitaire de Lille
Classification: Likely benign for Intellectual disability. Last evaluated: 2019-01-01. Review status: no assertion criteria provided. Collection method: clinical testing. Allele origin: inherited. Affected: yes. Not counted in ClinVar's aggregate classification.